The following is an entry in ClinVar:

ClinVar aggregate classification (germline): Uncertain significance (1 of 4 stars; one submission).

Conditions:
Dilated cardiomyopathy 1O (CMD1O). Also called: CARDIOMYOPATHY, DILATED, WITH VENTRICULAR TACHYCARDIA. Identifiers: Orphanet 154, MedGen C1837839, MONDO:0012062, OMIM 608569.

Submission:

Labcorp Genetics (formerly Invitae), Labcorp
Classification: Uncertain significance for Dilated cardiomyopathy 1O. Last evaluated: 2024-04-02. Review status: criteria provided, single submitter. Criteria: Invitae Variant Classification Sherloc (09022015). Collection method: clinical testing. Allele origin: germline.
Comment: This sequence change replaces serine, which is neutral and polar, with tryptophan, which is neutral and slightly polar, at codon 1243 of the ABCC9 protein (p.Ser1243Trp). This variant is not present in population databases (gnomAD no frequency). This variant has not been reported in the literature in individuals affected with ABCC9-related conditions. Advanced modeling of protein sequence and biophysical properties (such as structural, functional, and spatial information, amino acid conservation, physicochemical variation, residue mobility, and thermodynamic stability) performed at Invitae indicates that this missense variant is not expected to disrupt ABCC9 protein function with a negative predictive value of 95%. Algorithms developed to predict the effect of sequence changes on RNA splicing suggest that this variant may disrupt the consensus splice site. In summary, the available evidence is currently insufficient to determine the role of this variant in disease. Therefore, it has been classified as a Variant of Uncertain Significance.

NM_020297.4(ABCC9):c.3728C>G (p.Ser1243Trp)

Genes: ABCC9 (ATP binding cassette subfamily C member 9; minus strand), KCNJ8-AS1 (KCNJ8 antisense RNA 1; plus strand). Cytogenetic location: 12p12.1.
Variant type: single nucleotide variant.
Coding change: c.3728C>G on transcript NM_020297.4 (MANE Select); coding-DNA position 3728, C replaced by G.
Protein change: p.Ser1243Trp; replaces serine 1243 with tryptophan.
Molecular consequence: missense variant.
Genome position (GRCh38, 1-based): chr12:21,818,193, G>C on the plus strand (C>G on the coding strand, the complement: ABCC9 is on the minus strand). VCF-style: chr12-21818193-G-C. GRCh37 (hg19) VCF-style: chr12-21971127-G-C.
Other names: c.3728C>G, p.Ser1243Trp (NM_001377273.1, NM_005691.4); c.2861C>G, p.Ser954Trp (NM_001377274.1); short protein forms S954W, S1243W.
Identifiers: ClinVar variation 3648410 (VCV003648410.2).